The following is an entry in ClinVar:

NM_001378418.1(TCF20):c.3326T>C (p.Ile1109Thr)

Gene: TCF20 (transcription factor 20; minus strand). Cytogenetic location: 22q13.2.
Variant type: single nucleotide variant.
Coding change: c.3326T>C on transcript NM_001378418.1 (MANE Select); coding-DNA position 3326, T replaced by C.
Protein change: p.Ile1109Thr; replaces isoleucine 1109 with threonine.
Molecular consequence: missense variant.
Genome position (GRCh38, 1-based): chr22:42,211,980, A>G on the plus strand (T>C on the coding strand, the complement: TCF20 is on the minus strand). VCF-style: chr22-42211980-A-G. GRCh37 (hg19) VCF-style: chr22-42607986-A-G.
Other names: c.3326T>C, p.Ile1109Thr (NM_005650.4, NM_181492.3); short protein forms I1109T.
Identifiers: ClinVar variation 3367830 (VCV003367830.1).

ClinVar aggregate classification (germline): Uncertain significance (1 of 4 stars; one submission).

gnomAD v4.1: 1 of 1,614,118 alleles (0.000062%); no homozygotes.

Submission:

GeneDx
Classification: Uncertain significance. Last evaluated: 2024-01-10. Review status: criteria provided, single submitter. Criteria: GeneDx Variant Classification Process June 2021. Collection method: clinical testing. Allele origin: germline. Affected: yes.
Comment: In silico analysis supports that this missense variant does not alter protein structure/function; Has not been previously published as pathogenic or benign to our knowledge